The following is an entry in ClinVar:

ClinVar aggregate classification (germline): Uncertain significance (1 of 4 stars; one submission).

Conditions:
Hereditary cancer-predisposing syndrome. Also called: Neoplastic Syndromes, Hereditary; Tumor predisposition; Hereditary Cancer Syndrome; Hereditary neoplastic syndrome. Identifiers: Orphanet 140162, MedGen C0027672, MeSH D009386, MONDO:0015356.

Submission:

Ambry Genetics
Classification: Uncertain significance for Hereditary cancer-predisposing syndrome. Last evaluated: 2021-12-14. Review status: criteria provided, single submitter. Criteria: Ambry Variant Classification Scheme 2023. Collection method: clinical testing. Allele origin: germline.
Comment: The c.3560_3568delAAAGTACAT variant (also known as p.E1187_F1190delinsV) is located in coding exon 7 of the MSH6 gene. This variant results from an in-frame AAAGTACAT deletion at nucleotide positions 3560 to 3568. This results in the in-frame deletion of 4 amino acids and the insertion of a valine residue between codons 1187 and 1190. These amino acid positions are highly conserved in available vertebrate species. In addition, this alteration is predicted to be deleterious by in silico analysis (Choi Y et al. PLoS ONE. 2012; 7(10):e46688). Since supporting evidence is limited at this time, the clinical significance of this alteration remains unclear.

NM_000179.3(MSH6):c.3560_3568del (p.Glu1187_Phe1190delinsVal)

Gene: MSH6 (mutS homolog 6; plus strand). Cytogenetic location: 2p16.3.
Variant type: Deletion.
Coding change: c.3560_3568del on transcript NM_000179.3 (MANE Select); coding-DNA positions 3560 to 3568, 9 bases deleted (AAAGTACAT; older notation c.3560_3568delAAAGTACAT).
Protein change: p.Glu1187_Phe1190delinsVal.
Molecular consequence: inframe indel.
Genome position (GRCh38, 1-based): chr2:47,805,621-47,805,629, AAAGTACAT deleted. VCF-style (leftmost placement, unchanged base first): chr2-47805620-GAAAGTACAT-G. GRCh37 (hg19) VCF-style: chr2-48032759-GAAAGTACAT-G.
Other names: c.3170_3178del, p.Glu1057_Phe1060delinsVal (NM_001281492.2); c.2654_2662del, p.Glu885_Phe888delinsVal (NM_001281493.2, NM_001281494.2); c.3263_3271delAAAGTACAT, p.Glu1088_Phe1091delinsVal (NM_001406797.1, NM_001406801.1, NM_001406805.1 and 10 more transcripts); c.3656_3664delAAAGTACAT, p.Glu1219_Phe1222delinsVal (NM_001406795.1, NM_001406802.1); c.3560_3568delAAAGTACAT, p.Glu1187_Phe1190delinsVal (NM_001406796.1, NM_001406800.1, NM_001406808.1 and 1 more transcripts); c.3386_3394delAAAGTACAT, p.Glu1129_Phe1132delinsVal (NM_001406798.1); c.3035_3043delAAAGTACAT, p.Glu1012_Phe1015delinsVal (NM_001406799.1, NM_001406806.1, NM_001406807.1); c.2696_2704delAAAGTACAT, p.Glu899_Phe902delinsVal (NM_001406803.1); and 8 more.
Identifiers: ClinVar variation 1732697 (VCV001732697.2), dbSNP rs2530821027, ClinGen allele CA2580067225.